The following is an entry in ClinVar:

ClinVar aggregate classification (germline): Conflicting classifications of pathogenicity. Review status: criteria provided, conflicting classifications (1 of 4 stars). 9 submissions from 8 submitters: Pathogenic (2); Likely pathogenic (4); Uncertain significance (2). 1 of the submissions does not count toward it. Last evaluated 2026-04-23.

Conditions:
PLN-related disorder. Also called: PLN-related condition.
Cardiovascular phenotype. Identifiers: MedGen CN230736.
Cardiomyopathy (CMYO). Also called: Cardiomyopathies. Identifiers: Orphanet 167848, MedGen C0878544, MONDO:0004994, HP:0001638. Inheritance: Various modes of inheritance.
Dilated cardiomyopathy 1P (CMD1P). Identifiers: Orphanet 154, MedGen C1835928, MONDO:0012362, OMIM 609909.
Hypertrophic cardiomyopathy. Also called: HYPERTROPHIC MYOCARDIOPATHY. Identifiers: Orphanet 217569, MedGen C0007194, MeSH D002312, MONDO:0005045, HP:0001639.

Submissions (9):

Women's Health and Genetics/Laboratory Corporation of America, LabCorp
Classification: Pathogenic for Cardiomyopathy. Last evaluated: 2026-04-23. Review status: criteria provided, single submitter. Criteria: LabCorp Variant Classification Summary - May 2015. Collection method: clinical testing. Allele origin: germline.
Comment: Variant summary: PLN c.63_64dupTC (p.Gln22LeufsX19) results in a premature termination codon in a single codin exon gene and is predicted to cause a truncation of the encoded protein , however, nonsense mediated decay is not expected to occur. The variant was absent in 251184 control chromosomes. c.63_64dupTC has been observed in individuals affected with Hypertrophic Cardiomyopathy (e.g. Walsh_2017, Smith_2022, Captur_2024) and individuals undergoing genetic testing for cardiomyopathy with limited reported clinical information (e.g. Stava_2022, Josephs_2024). To our knowledge, no experimental evidence demonstrating an impact on protein function has been reported. However, at least one downstream variant has been classified as pathogenic (c.116T>G, p.Leu39X), providing evidence that the region altered by the variant is critical to protein function. The following publications have been ascertained in the context of this evaluation (PMID: 38847081, 39472908, 35653365, 27532257, 35470680). ClinVar contains an entry for this variant (Variation ID: 202039). Based on the evidence outlined above, the variant was classified as pathogenic.

Labcorp Genetics (formerly Invitae), Labcorp
Classification: Pathogenic for Dilated cardiomyopathy 1P. Last evaluated: 2025-12-03. Review status: criteria provided, single submitter. Criteria: Invitae Variant Classification Sherloc (09022015). Collection method: clinical testing. Allele origin: germline.
Comment: This sequence change creates a premature translational stop signal (p.Gln22Leufs*19) in the PLN gene. While this is not anticipated to result in nonsense mediated decay, it is expected to disrupt the last 31 amino acid(s) of the PLN protein. This variant is not present in population databases (gnomAD no frequency). This premature translational stop signal has been observed in individual(s) with hypertrophic cardiomyopathy (PMID: 27532257). ClinVar contains an entry for this variant (Variation ID: 202039). Experimental studies and prediction algorithms are not available or were not evaluated, and the functional significance of this variant is currently unknown. This variant disrupts a region of the PLN protein in which other variant(s) (p.Leu39*) have been determined to be pathogenic (PMID: 12639993, 17655857, 21167350, 25611685, 26535225). This suggests that this is a clinically significant region of the protein, and that variants that disrupt it are likely to be disease-causing. For these reasons, this variant has been classified as Pathogenic.

PreventionGenetics, part of Exact Sciences
Classification: Likely pathogenic for PLN-related condition. Last evaluated: 2025-09-18. Review status: criteria provided, single submitter. Criteria: ACMG Guidelines, 2015. Collection method: clinical testing. Allele origin: germline.
Comment: The PLN c.63_64dupTC variant is predicted to result in a frameshift and premature protein termination (p.Gln22Leufs*19). This variant has been reported in an individual with hypertrophic cardiomyopathy and has been detected in additional cardiomyopathy cohorts (Table S1A, Walsh et al. 2017. PubMed ID: 27532257; Supplementary Table S10, Stava et al. 2022. PubMed ID: 35653365; Table S3, Smith et al. 2022. PubMed ID: 35470680). This variant has also been reported in at least one case of sudden cardiac arrest (Helm et al. 2021. DOI:10.1016/j.hrthm.2021.06.271; Fazzini et al. 2024. PubMed ID: 39004346). This variant disrupts a region of the PLN protein in which another loss of function variant (p.Leu39*) has been determined to be pathogenic (Haghighi et al. 2003. PubMed ID: 12639993; Chiu et al. 2007. PubMed ID: 17655857; Landstrom et al. 2011. PubMed ID: 21167350). This variant has not been reported in a large population database (gnomAD), indicating this variant is rare. Given all the evidence, this variant is interpreted as likely pathogenic.

Ambry Genetics
Classification: Uncertain significance for Cardiovascular phenotype. Last evaluated: 2025-08-13. Review status: criteria provided, single submitter. Criteria: Ambry Variant Classification Scheme 2023. Collection method: clinical testing. Allele origin: germline.
Comment: The c.63_64dupTC variant, located in coding exon 1 of the PLN gene, results from a duplication of TC at nucleotide position 63, causing a translational frameshift with a predicted alternate stop codon (p.Q22Lfs*19). This variant was reported in individual(s) with features consistent with hypertrophic cardiomyopathy or dilated cardiomyopathy (Walsh R et al. Genet. Med., 2017 02;19:192-203; Smith E et al. J Am Heart Assoc. 2022 May;11(9):e024501; Stava TT et al. Eur J Prev Cardiol. 2022 Oct;29(13):1789-1799). This alteration is expected to result in loss of function by premature protein truncation or nonsense-mediated mRNA decay. However, loss of function of PLN has not been clearly established as a mechanism of disease. Based on the available evidence, the clinical significance of this variant remains unclear.

CHEO Genetics Diagnostic Laboratory, Children's Hospital of Eastern Ontario
Classification: Likely pathogenic for Cardiomyopathy. Last evaluated: 2022-05-11. Review status: criteria provided, single submitter. Criteria: ACMG Guidelines, 2015. Collection method: clinical testing. Allele origin: germline. Study: Canadian Open Genetics Repository.

New York Genome Center
Classification: Likely pathogenic for Dilated cardiomyopathy 1P. Last evaluated: 2021-05-21. Review status: criteria provided, single submitter. Criteria: NYGC Assertion Criteria 2020. Collection method: clinical testing. Allele origin: germline. Affected: yes. Observed: 1 homozygote. Study: CSER-NYCKidSeq.
Comment: The homozygous c.63_64dup (p.Gln22LeufsTer19) variant identified in the PLN gene is the duplication of two nucleotides resulting in a frameshift ofthe protein at amino acid 22/53 (exon 2/2). This variant is predicted to lead to the premature termination of the protein approximately 19 amino acids downstream. While this variant is not predicted to lead to nonsense mediated decay, several nonsense variants downstream have been reported in affected individuals, including the recurrent p.Leu39Ter variant [PMID:12639993; PMID:26535225]. This variant is found with low frequency in gnomAD (1 heterozygote, 0 homozygotes; allele frequency:6.57e-6) suggesting it is not a common benign variant in the populations represented in that database. This variant is reported as both Likely Pathogenic and as a Variant of Uncertain Significance in ClinVar (VarID:202039), and has been identified in a single individual in the literature with hypertrophic cardiomyopathy (SuppTable 1A; [PMID:27532257]). The homozygous c.63_64dup (p.Gln22LeufsTer19) variant identified in the PLN gene is reported as Likely Pathogenic.

Center for Advanced Laboratory Medicine, UC San Diego Health, University of California San Diego
Classification: Likely pathogenic for Hypertrophic cardiomyopathy. Last evaluated: 2019-01-31. Review status: criteria provided, single submitter. Criteria: ACMG Guidelines, 2015. Collection method: clinical testing. Allele origin: germline. Affected: yes. Observed: 1 variant allele.

GeneDx
Classification: Uncertain significance. Last evaluated: 2016-12-06. Review status: criteria provided, single submitter. Criteria: GeneDx Variant Classification (06012015). Collection method: clinical testing. Allele origin: germline. Affected: yes.
Comment: The c.63_64dupTC variant of uncertain significance in the PLN gene has not been published as a pathogenic variant,nor has it been reported as a benign variant to our knowledge. This variant was not observed in approximately 6,500individuals of European and African American ancestry in the NHLBI Exome Sequencing Project, nor was it observedin the Exome Aggregation Consortium (ExAC), indicating it is not a common benign variant in these populations.The c.63_64dupTC variant causes a shift in reading frame starting at codon Glutamine 22, changing it to a Leucine,and creating a premature stop codon at position 19 of the new reading frame, denoted p.Gln22LeufsX19. This variantis expected to result in an abnormal, truncated protein product, as the last 31 amino acid residues are replaced with 18incorrect amino acid residues. Nevertheless, no downstream frameshift variants in the PLN gene have been reported inHGMD in association with cardiomyopathy (Stenson et al., 2014).Therefore, based on the currently available information, it is unclear whether this variant is pathogenic or rare benign.This result cannot be interpreted for diagnosis or used for family member screening at this time.

GeneDx
Classification: Uncertain significance for Cardiomyopathy. Last evaluated: 2014-03-01. Review status: flagged submission. Criteria: GeneDx Variant Classification (06012015). Collection method: clinical testing. Allele origin: germline. Affected: yes. Not counted in ClinVar's aggregate classification.
Comment: c.63_64dupTC: p.Gln22LeufsX19 (Q22LfsX19) in exon 2 of the PLN gene (NM_002667.3). The normal sequence with the bases that are duplicated in braces is: TGCC{TC}AACA.The c.63_64dupTC variant in the PLN gene has not been reported to our knowledge. This variant causes a shift in reading frame starting at codon Glutamine 22, changing it to a Leucine, and creating a premature stop codon at position 19 of the new reading frame, denoted p.Gln22LeufsX19. This variant is expected to result in either an abnormal, truncated protein product or loss of protein from this allele through nonsense-mediated mRNA decay. However, no other frameshift mutations in the PLN gene have been reported in association with cardiomyopathy to date. With the clinical and molecular information available at this time, we cannot definitively determine if c.63_64dupTC in the PLN gene is a disease-causing mutation or a rare benign variant. The variant is found in DCM-CRDM panel(s).
ClinVar note: Reason: This record appears to be redundant with a more recent record from the same submitter.
ClinVar note: Notes: SCV000236301 appears to be redundant with SCV000565761.

Literature cited by the submitters: PubMed 27532257 (cited by 3 submitters); PubMed 35653365 (cited by Women's Health and Genetics/Laboratory Corporation of America, LabCorp and Ambry Genetics); PubMed 35470680 (cited by Women's Health and Genetics/Laboratory Corporation of America, LabCorp and Ambry Genetics); PubMed 39472908 (cited by Women's Health and Genetics/Laboratory Corporation of America, LabCorp); PubMed 38847081 (cited by Women's Health and Genetics/Laboratory Corporation of America, LabCorp); PubMed 12639993 (cited by Labcorp Genetics (formerly Invitae), Labcorp); PubMed 17655857 (cited by Labcorp Genetics (formerly Invitae), Labcorp); PubMed 21167350 (cited by Labcorp Genetics (formerly Invitae), Labcorp); PubMed 25611685 (cited by Labcorp Genetics (formerly Invitae), Labcorp); PubMed 26535225 (cited by Labcorp Genetics (formerly Invitae), Labcorp).

NM_002667.5(PLN):c.63_64dup (p.Gln22fs)

Genes: CEP85L (centrosomal protein 85L; minus strand), PLN (phospholamban; plus strand). Cytogenetic location: 6q22.31.
Variant type: Duplication.
Coding change: c.63_64dup on transcript NM_002667.5 (MANE Select); coding-DNA positions 63 to 64, 2 bases duplicated (TC; older notation c.63_64dupTC).
Protein change: p.Gln22fs; shifts the reading frame from glutamine 22.
Molecular consequence: frameshift variant. On other transcripts: intron variant (3).
Genome position (GRCh38, 1-based): chr6:118,558,984-118,558,985, TC duplicated; duplicating any 2 consecutive bases within chr6:118,558,983-118,558,985 gives the same sequence; the c. name uses the placement nearest the transcript's 3' end. VCF-style (leftmost placement, unchanged base first): chr6-118558982-C-CCT. GRCh37 (hg19) VCF-style: chr6-118880145-C-CCT.
Other names: c.63_64dupTC (NM_002667.5, NM_002667.3, NM_002667.4); c.1029+6545_1029+6546dup (NM_001178035.2); c.1020+6545_1020+6546dup (NM_001042475.3, NM_206921.3); short protein forms Q22fs.
Identifiers: ClinVar variation 202039 (VCV000202039.18), dbSNP rs794729138, ClinGen allele CA335502.